The following is an entry in ClinVar:

ClinVar aggregate classification (germline): Pathogenic/Likely pathogenic. Review status: criteria provided, multiple submitters, no conflicts (2 of 4 stars). 5 submissions from 5 submitters: Pathogenic (3); Likely pathogenic (1). 1 of the submissions does not count toward it. Last evaluated 2025-10-29.

Conditions:
Familial thyroid dyshormonogenesis. Identifiers: Orphanet 95716, MedGen C4273748, MONDO:0010132.
Thyroid dyshormonogenesis 6 (TDH6). Also called: Genetic transient congenital hypothyroidism; HYPOTHYROIDISM, CONGENITAL, DUE TO DYSHORMONOGENESIS, 6; THYROID HORMONOGENESIS, GENETIC DEFECT IN, 6. Identifiers: Orphanet 226316, Orphanet 95716, MedGen C1846632, MONDO:0011792, OMIM 607200.

Allele frequency attached by ClinVar (database versions not stated): TOPMed 0.00002; gnomAD 0.00006; ExAC 0.00002.
gnomAD v4.1: 30 of 1,614,038 alleles (0.0019%); highest among the groups gnomAD compares: East Asian, 0.0067%; no homozygotes.

Submissions (5):

Labcorp Genetics (formerly Invitae), Labcorp
Classification: Pathogenic. Last evaluated: 2025-10-29. Review status: criteria provided, single submitter. Criteria: Invitae Variant Classification Sherloc (09022015). Collection method: clinical testing. Allele origin: germline.
Comment: This sequence change creates a premature translational stop signal (p.Arg842*) in the DUOX2 gene. It is expected to result in an absent or disrupted protein product. Loss-of-function variants in DUOX2 are known to be pathogenic (PMID: 12110737, 18765513, 21565790, 24423310, 24735383). This variant is present in population databases (rs119472028, gnomAD 0.008%). This premature translational stop signal has been observed in individual(s) with autosomal recessive thyroid dyshormonogenesis (PMID: 16134168, 27108200). ClinVar contains an entry for this variant (Variation ID: 4064). For these reasons, this variant has been classified as Pathogenic.

Department of Pathology and Laboratory Medicine, Sinai Health System
Classification: Pathogenic for Familial thyroid dyshormonogenesis; Thyroid dyshormonogenesis 6. Last evaluated: 2023-03-22. Review status: criteria provided, single submitter. Criteria: ACMG Guidelines, 2015. Collection method: research. Allele origin: germline.

Revvity Omics, Revvity
Classification: Likely pathogenic for Thyroid dyshormonogenesis 6. Last evaluated: 2021-07-23. Review status: criteria provided, single submitter. Criteria: ACMG Guidelines, 2015. Collection method: clinical testing. Allele origin: germline.

GeneDx
Classification: Pathogenic. Last evaluated: 2018-03-08. Review status: criteria provided, single submitter. Criteria: GeneDx Variant Classification (06012015). Collection method: clinical testing. Allele origin: germline. Affected: yes.
Comment: The R842X variant in the DUOX2 gene has been reported previously as compound heterozygous in unrelated individuals with transient or persistent congenital hypothyroidism (Vigone et al., 2005; Fu et al., 2015). This variant is predicted to cause loss of normal protein function either through protein truncation or nonsense-mediated mRNA decay. The R842X variant is observed in 14/277130 (0.005%) alleles in large population cohorts, and no individuals were reported to be homozygous (Lek et al., 2016). We interpret R842X as a pathogenic variant.

OMIM
Classification: Pathogenic for THYROID DYSHORMONOGENESIS 6. Last evaluated: 2005-10-01. Review status: no assertion criteria provided. Collection method: literature only. Allele origin: germline. Not counted in ClinVar's aggregate classification.

Literature cited by the submitters: PubMed 12110737 (cited by Labcorp Genetics (formerly Invitae), Labcorp); PubMed 18765513 (cited by Labcorp Genetics (formerly Invitae), Labcorp); PubMed 21565790 (cited by Labcorp Genetics (formerly Invitae), Labcorp); PubMed 24423310 (cited by Labcorp Genetics (formerly Invitae), Labcorp); PubMed 24735383 (cited by Labcorp Genetics (formerly Invitae), Labcorp); PubMed 16134168 (cited by Labcorp Genetics (formerly Invitae), Labcorp and OMIM); PubMed 27108200 (cited by Labcorp Genetics (formerly Invitae), Labcorp).

NM_001363711.2(DUOX2):c.2524C>T (p.Arg842Ter)

Gene: DUOX2 (dual oxidase 2; minus strand). Cytogenetic location: 15q21.1.
Variant type: single nucleotide variant.
Coding change: c.2524C>T on transcript NM_001363711.2 (MANE Select); coding-DNA position 2524, C replaced by T.
Protein change: p.Arg842Ter; replaces arginine 842 with a stop codon.
Molecular consequence: nonsense.
Genome position (GRCh38, 1-based): chr15:45,104,176, G>A on the plus strand (C>T on the coding strand, the complement: DUOX2 is on the minus strand). VCF-style: chr15-45104176-G-A. GRCh37 (hg19) VCF-style: chr15-45396374-G-A.
Other names: c.2524C>T, p.Arg842Ter (NM_014080.5); short protein forms R842*.
Identifiers: ClinVar variation 4064 (VCV000004064.13), dbSNP rs119472028, ClinGen allele CA116640.